The following is an entry in ClinVar:

NM_001563.4(IMPG1):c.890C>T (p.Ser297Leu)

Gene: IMPG1 (interphotoreceptor matrix proteoglycan 1; minus strand). Cytogenetic location: 6q14.1.
Variant type: single nucleotide variant.
Coding change: c.890C>T on transcript NM_001563.4 (MANE Select); coding-DNA position 890, C replaced by T.
Protein change: p.Ser297Leu; replaces serine 297 with leucine.
Molecular consequence: missense variant.
Genome position (GRCh38, 1-based): chr6:76,005,532, G>A on the plus strand (C>T on the coding strand, the complement: IMPG1 is on the minus strand). VCF-style: chr6-76005532-G-A. GRCh37 (hg19) VCF-style: chr6-76715249-G-A.
Other names: c.890C>T (NM_001563.3); c.656C>T, p.Ser219Leu (NM_001282368.2); short protein forms S219L, S297L.
Identifiers: ClinVar variation 1025867 (VCV001025867.9), dbSNP rs770350524, ClinGen allele CA3898270.
Genomic context (GRCh38, chr6:76,005,532, plus strand): 5'-CTTTTTGCTTCTGCACTGTGTCTCTTAAAGATGGCCGTAAGTTGCATCTCTGTGGAGCTT[G>A]AGCTGTAGATAGCAGAGGACACATTCCCCACCCAAAGCCATTGTTACATGCCTTGCAAAG-3'
Protein context (NP_001554.2, residues 287-307): GFRPKKEKDG[Ser297Leu]SSTEMQLTAI

ClinVar aggregate classification (germline): Uncertain significance. Review status: criteria provided, multiple submitters, no conflicts (2 of 4 stars). 2 submissions from 2 submitters: Uncertain significance (2). Last evaluated 2026-06-30.

Conditions:
IMPG1-related disorder. Also called: IMPG1-related condition.

Allele frequency attached by ClinVar (database versions not stated): ExAC 0.00001; gnomAD exomes 0.00001; TOPMed 0.00002.
gnomAD v4.1: 3 of 1,613,760 alleles (0.00019%); highest among the groups gnomAD compares: Admixed American, 0.005%; no homozygotes.

Submissions (2):

PreventionGenetics, part of Exact Sciences
Classification: Uncertain significance for IMPG1-related condition. Last evaluated: 2026-06-30. Review status: criteria provided, single submitter. Criteria: ACMG Guidelines, 2015. Collection method: clinical testing. Allele origin: germline.
Comment: The IMPG1 c.890C>T variant is predicted to result in the amino acid substitution p.Ser297Leu. This variant has been reported with uncertain significance in a cohort study of retinal disease (Table S12, Diñeiro et al. 2020. PubMed ID: 32483926). This variant is present in 0.0087% of alleles in individuals of Latino descent in gnomAD. At this time, the clinical significance of this variant is uncertain due to the absence of conclusive functional and genetic evidence.

Labcorp Genetics (formerly Invitae), Labcorp
Classification: Uncertain significance. Last evaluated: 2022-11-01. Review status: criteria provided, single submitter. Criteria: Invitae Variant Classification Sherloc (09022015). Collection method: clinical testing. Allele origin: germline.
Comment: This sequence change replaces serine, which is neutral and polar, with leucine, which is neutral and non-polar, at codon 297 of the IMPG1 protein (p.Ser297Leu). This variant is present in population databases (rs770350524, gnomAD 0.009%). This variant has not been reported in the literature in individuals affected with IMPG1-related conditions. ClinVar contains an entry for this variant (Variation ID: 1025867). Algorithms developed to predict the effect of missense changes on protein structure and function output the following: SIFT: "Deleterious"; PolyPhen-2: "Benign"; Align-GVGD: "Class C0". The leucine amino acid residue is found in multiple mammalian species, which suggests that this missense change does not adversely affect protein function. In summary, the available evidence is currently insufficient to determine the role of this variant in disease. Therefore, it has been classified as a Variant of Uncertain Significance.